The following is an entry in ClinVar:

ClinVar aggregate classification (germline): Pathogenic (1 of 4 stars; one submission).

Conditions:
Hypotonia, infantile, with psychomotor retardation and characteristic facies 3 (IHPRF3). Also called: TBCK-Related Neurodevelopmental Disorder. Identifiers: Orphanet 488632, MedGen C5567480, MONDO:0014823, OMIM 616900.

gnomAD v4.1: 5 of 1,590,368 alleles (0.00031%); highest among the groups gnomAD compares: South Asian, 0.0011%; no homozygotes.

Submission:

Broad Center for Mendelian Genomics, Broad Institute of MIT and Harvard
Classification: Pathogenic for Hypotonia, infantile, with psychomotor retardation and characteristic facies 3. Last evaluated: 2025-01-13. Review status: criteria provided, single submitter. Criteria: ACMG Guidelines, 2015. Collection method: curation. Allele origin: germline. Inheritance: Autosomal recessive inheritance.
Comment: The c.1897+1G>T variant in TBCK has not been previously reported in the literature in individuals with TBCK-related intellectual disability syndrome, but has been identified in 0.001% (1/87198) of South Asian chromosomes by the Genome Aggregation Database (gnomAD; dbSNP rs374319146). Although this variant has been seen in the general population in a heterozygous state, its frequency is low enough to be consistent with a recessive carrier frequency. This variant is located in the 3' splice region. Computational tools predict a splicing impact, though this information is not predictive enough to determine pathogenicity. Loss of function of the TBCK gene is an established disease mechanism in autosomal recessive TBCK-related intellectual disability syndrome. One additional pathogenic variant, predicted to induce the same splicing effect as this variant, has been reported in ClinVar as being associated with TBCK-related intellectual disability syndrome, supporting that the variant may be pathogenic (Variation ID: 183338). In summary, this variant meets criteria to be classified as pathogenic for autosomal recessive TBCK-related intellectual disability syndrome. ACMG/AMP Criteria applied: PVS1, PM2_supporting, PS1_supporting (Richards 2015).

NM_001163435.3(TBCK):c.1897+1G>T

Gene: TBCK (TBC1 domain containing kinase; minus strand). Cytogenetic location: 4q24.
Variant type: single nucleotide variant.
Coding change: c.1897+1G>T on transcript NM_001163435.3 (MANE Select); the canonical splice donor site of the intron after coding-DNA position 1897, G replaced by T.
Molecular consequence: splice donor variant.
Genome position (GRCh38, 1-based): chr4:106,194,717, C>A on the plus strand (G>T on the coding strand, the complement: TBCK is on the minus strand). VCF-style: chr4-106194717-C-A. GRCh37 (hg19) VCF-style: chr4-107115874-C-A.
Other names: NM_033115.5:c.1708+1G>T; c.1897+1G>T (NM_001163436.4); c.1708+1G>T (NM_033115.5); c.1780+1G>T (NM_001163437.3); c.1381+1G>T (NM_001290768.2).
Identifiers: ClinVar variation 3777002 (VCV003777002.1).